The following is an entry in ClinVar:

NM_006035.4(CDC42BPB):c.5103C>T (p.Leu1701=)

Gene: CDC42BPB (CDC42 binding protein kinase beta; minus strand). Cytogenetic location: 14q32.32.
Variant type: single nucleotide variant.
Coding change: c.5103C>T on transcript NM_006035.4 (MANE Select); coding-DNA position 5103, C replaced by T.
Protein change: p.Leu1701=; no amino-acid change (leucine 1701 retained).
Molecular consequence: synonymous variant.
Genome position (GRCh38, 1-based): chr14:102,933,745, G>A on the plus strand (C>T on the coding strand, the complement: CDC42BPB is on the minus strand). VCF-style: chr14-102933745-G-A. GRCh37 (hg19) VCF-style: chr14-103400082-G-A.
Other names: c.5025C>T, p.Leu1675= (NM_001411054.1).
Identifiers: ClinVar variation 3050976 (VCV003050976.2), dbSNP rs35239675, ClinGen allele CA7360163.

ClinVar aggregate classification (germline): Likely benign (0 of 4 stars; one submission).

Conditions:
CDC42BPB-related disorder.

Allele frequency attached by ClinVar (database versions not stated): 1000 Genomes Project 30x 0.00094; 1000 Genomes Project 0.00100; ESP Exome Variant Server 0.00124.
gnomAD v4.1: 319 of 1,493,482 alleles (0.021%); highest among the groups gnomAD compares: African/African-American, 0.39%; 1 homozygote.

Submission:

PreventionGenetics, part of Exact Sciences
Classification: Likely benign for CDC42BPB-related condition. Last evaluated: 2024-01-18. Review status: no assertion criteria provided. Collection method: clinical testing. Allele origin: germline.
Comment: This variant is classified as likely benign based on ACMG/AMP sequence variant interpretation guidelines (Richards et al. 2015 PMID: 25741868, with internal and published modifications).